The following is an entry in ClinVar:

NM_000540.3(RYR1):c.970G>A (p.Val324Met)

Gene: RYR1 (ryanodine receptor 1; plus strand). Cytogenetic location: 19q13.2.
Variant type: single nucleotide variant.
Coding change: c.970G>A on transcript NM_000540.3 (MANE Select); coding-DNA position 970, G replaced by A.
Protein change: p.Val324Met; replaces valine 324 with methionine.
Molecular consequence: missense variant.
Genome position (GRCh38, 1-based): chr19:38,448,661, G>A. VCF-style: chr19-38448661-G-A. GRCh37 (hg19) VCF-style: chr19-38939301-G-A.
Other names: c.970G>A, p.Val324Met (NM_001042723.2); short protein forms V324M.
Identifiers: ClinVar variation 3074337 (VCV003074337.1), dbSNP rs1966918445, ClinGen allele CA405682651.

ClinVar aggregate classification (germline): Uncertain significance (1 of 4 stars; one submission).

Conditions:
Malignant hyperthermia, susceptibility to, 1 (MHS1). Also called: Anesthesia related hyperthermia; Malignant hyperpyrexia; Fulminating hyperpyrexia; Pharmacogenic myopathy; RYR1-Related Malignant Hyperthermia Susceptibility; Malignant hyperthermia suceptibility 1. Identifiers: Orphanet 423, MedGen C2930980, MONDO:0007783, OMIM 145600.

Allele frequency attached by ClinVar (database versions not stated): TOPMed below 0.00001.

Submission:

All of Us Research Program, National Institutes of Health
Classification: Uncertain significance for Malignant hyperthermia, susceptibility to, 1. Last evaluated: 2023-11-02. Review status: criteria provided, single submitter. Criteria: ACMG Guidelines, 2015. Collection method: clinical testing. Allele origin: germline. Inheritance: Autosomal dominant inheritance. Observed: 1 variant allele, 1 heterozygote.
Comment: This missense variant replaces valine with methionine at codon 324 of the RYR1 protein. Computational prediction suggests that this variant may not impact protein structure and function (internally defined REVEL score threshold <= 0.5, PMID: 27666373). To our knowledge, functional studies have not been reported for this variant. This variant has not been reported in individuals affected with RYR1-related disorders in the literature. This variant has not been identified in the general population by the Genome Aggregation Database (gnomAD). The available evidence is insufficient to determine the role of this variant in disease conclusively. Therefore, this variant is classified as a Variant of Uncertain Significance.

This study involves interpretation of variants in research participants for the purpose of population health screening. Participant phenotype was not available at the time of variant classification. Additional details can be found in publication PMID: 35346344, PMCID: PMC8962531